The following is an entry in ClinVar:

ClinVar aggregate classification (germline): Uncertain significance (1 of 4 stars; one submission).

Allele frequency attached by ClinVar (database versions not stated): gnomAD exomes below 0.00001.

Submission:

GeneDx
Classification: Uncertain significance. Last evaluated: 2022-04-11. Review status: criteria provided, single submitter. Criteria: GeneDx Variant Classification Process June 2021. Collection method: clinical testing. Allele origin: germline. Affected: yes.
Comment: Not observed at significant frequency in large population cohorts (gnomAD); Missense variant in a gene in which most reported pathogenic variants are truncating/loss of function; Has not been previously published as pathogenic or benign to our knowledge

NM_001267550.2(TTN):c.89465T>C (p.Ile29822Thr)

Genes: TTN (titin; minus strand), TTN-AS1 (TTN antisense RNA 1; plus strand). Cytogenetic location: 2q31.2.
Variant type: single nucleotide variant.
Coding change: c.89465T>C on transcript NM_001267550.2 (MANE Select); coding-DNA position 89465, T replaced by C.
Protein change: p.Ile29822Thr; replaces isoleucine 29822 with threonine.
Molecular consequence: missense variant.
Genome position (GRCh38, 1-based): chr2:178,553,540, A>G on the plus strand (T>C on the coding strand, the complement: TTN is on the minus strand). VCF-style: chr2-178553540-A-G. GRCh37 (hg19) VCF-style: chr2-179418267-A-G.
Other names: c.84542T>C, p.Ile28181Thr (NM_001256850.1); c.62270T>C, p.Ile20757Thr (NM_003319.4); c.81761T>C, p.Ile27254Thr (NM_133378.4); c.62645T>C, p.Ile20882Thr (NM_133432.3); c.62846T>C, p.Ile20949Thr (NM_133437.4); short protein forms I20757T, I20882T, I20949T, I27254T, I28181T, I29822T.
Identifiers: ClinVar variation 1710572 (VCV001710572.2), dbSNP rs2469331569, ClinGen allele CA349518439.